The following is an entry in ClinVar:

NM_004187.5(KDM5C):c.2064del (p.Ile689fs)

Gene: KDM5C (lysine demethylase 5C; minus strand). Cytogenetic location: Xp11.22.
Variant type: Deletion.
Coding change: c.2064del on transcript NM_004187.5 (MANE Select); coding-DNA position 2064, one base deleted (T; older notation c.2064delT).
Protein change: p.Ile689fs; shifts the reading frame from isoleucine 689.
Molecular consequence: frameshift variant. On other transcripts: non-coding transcript variant (3).
Genome position (GRCh38, 1-based): chrX:53,199,156, A deleted on the plus strand (T on the coding strand, the reverse complement: KDM5C is on the minus strand). VCF-style (leftmost placement, unchanged base first): chrX-53199155-TA-T. GRCh37 (hg19) VCF-style: chrX-53228337-TA-T.
Other names: c.1863del, p.Ile622fs (NM_001146702.2); c.2061del, p.Ile688fs (NM_001282622.3, NM_001353979.2, NM_001353982.2); c.2064del, p.Ile689fs (NM_001353978.3, NM_001353981.2, NM_001353984.2); short protein forms I689fs, I622fs, I688fs.
Identifiers: ClinVar variation 1362416 (VCV001362416.6), dbSNP rs2146853021, ClinGen allele CA2573158974.
Genomic context (GRCh38, chrX:53,199,155, plus strand): 5'-TGATACACTGGCGCTCATCATCTGGGAGCAGCTCGAAAGCCTCTCGCTCAGCCTCTGTGA[TA>T]CCCTAAGGGCATTTAACCTATGCGTTATATATAACCAGAACCAGGTAGCAAAATCCTCCA-3'

ClinVar aggregate classification (germline): Pathogenic (1 of 4 stars; one submission).

Conditions:
Spastic paraplegia. Identifiers: MedGen C0037772, HP:0001258.

Submission:

Labcorp Genetics (formerly Invitae), Labcorp
Classification: Pathogenic for Spastic paraplegia. Last evaluated: 2022-08-14. Review status: criteria provided, single submitter. Criteria: Invitae Variant Classification Sherloc (09022015). Collection method: clinical testing. Allele origin: germline.
Comment: This variant is not present in population databases (gnomAD no frequency). This sequence change creates a premature translational stop signal (p.Ile689Serfs*75) in the KDM5C gene. It is expected to result in an absent or disrupted protein product. Loss-of-function variants in KDM5C are known to be pathogenic (PMID: 15586325, 18697827). This variant has not been reported in the literature in individuals affected with KDM5C-related conditions. For these reasons, this variant has been classified as Pathogenic. ClinVar contains an entry for this variant (Variation ID: 1362416).

Literature cited by the submitters: PubMed 15586325; PubMed 18697827.